The following continues an entry in ClinVar:

NM_007294.4(BRCA1):c.3868A>G (p.Lys1290Glu)

ClinVar aggregate classification (germline): Conflicting classifications of pathogenicity. Uncertain significance (10); Likely benign (2).

Submissions 9 to 14 of 14:

Quest Diagnostics Nichols Institute San Juan Capistrano
Classification: Uncertain significance. Last evaluated: 2023-02-03. Review status: criteria provided, single submitter. Criteria: Quest Diagnostics criteria. Collection method: clinical testing. Allele origin: unknown.
Comment: The frequency of this variant in the general population, 0.000008 (2/251164 chromosomes), is uninformative in assessment of its pathogenicity. In the published literature, the variant has been reported in individuals with a personal or family history of breast and/or ovarian cancer (PMIDs: 32438681 (2020), 29161300 (2017), 27062684 (2016), and 26306726 (2015)). Analysis of this variant using bioinformatics tools for the prediction of the effect of amino acid changes on protein structure and function yielded predictions that this variant is benign. Based on the available information, we are unable to determine the clinical significance of this variant.

Department of Pathology and Laboratory Medicine, Sinai Health System
Classification: Uncertain significance for Familial cancer of breast; Breast-ovarian cancer, familial, susceptibility to, 1; Fanconi anemia, complementation group S. Last evaluated: 2022-04-06. Review status: criteria provided, single submitter. Criteria: ACMG Guidelines, 2015. Collection method: clinical testing. Allele origin: germline. Affected: yes.

Mendelics
Classification: Uncertain significance for Breast-ovarian cancer, familial, susceptibility to, 1. Last evaluated: 2019-05-28. Review status: criteria provided, single submitter. Criteria: Mendelics Assertion Criteria 2017. Collection method: clinical testing. Allele origin: unknown.

GeneDx
Classification: Uncertain significance. Last evaluated: 2018-07-19. Review status: criteria provided, single submitter. Criteria: GeneDx Variant Classification (06012015). Collection method: clinical testing. Allele origin: germline. Affected: yes.
Comment: This variant is denoted BRCA1 c.3868A>G at the cDNA level, p.Lys1290Glu (K1290E) at the protein level, and results in the change of a Lysine to a Glutamic Acid (AAA>GAA). Using alternate nomenclature, this variant would be defined as BRCA1 3987A>G. This variant was observed in several individuals with a personal and/or family history of breast and/or ovarian cancer (Minucci 2015, Azzollini 2016, Alemar 2017). BRCA1 Lys1290Glu was not observed at a significant allele frequency in large population cohorts (Lek 2016). This variant is located in the SCD domain and a region known to interact with multiple other proteins (Narod 2004, Clark 2012, Paul 2014). In silico analysis, which includes protein predictors and evolutionary conservation, supports that this variant does not alter protein structure/function. Based on currently available evidence, it is unclear whether BRCA1 Lys1290Glu is a pathogenic or benign variant. We consider it to be a variant of uncertain significance.

Counsyl
Classification: Uncertain significance for Breast-ovarian cancer, familial, susceptibility to, 1. Last evaluated: 2017-07-25. Review status: no assertion criteria provided. Collection method: clinical testing. Allele origin: unknown. Not counted in ClinVar's aggregate classification.

Sharing Clinical Reports Project (SCRP)
Classification: Uncertain significance for Breast-ovarian cancer, familial 1. Last evaluated: 2012-09-07. Review status: no assertion criteria provided. Collection method: clinical testing. Allele origin: germline. Not counted in ClinVar's aggregate classification.

Literature cited by the submitters: PubMed 26306726 (cited by 7 submitters); PubMed 27062684 (cited by 9 submitters); PubMed 29161300 (cited by 8 submitters); PubMed 32438681 (cited by 5 submitters); PubMed 31853058 (cited by Color Diagnostics, LLC DBA Color Health); PubMed 34284872 (cited by Color Diagnostics, LLC DBA Color Health and Women's Health and Genetics/Laboratory Corporation of America, LabCorp).